The following is an entry in ClinVar:

ClinVar aggregate classification (germline): Uncertain significance (1 of 4 stars; one submission).

Allele frequency attached by ClinVar (database versions not stated): gnomAD exomes below 0.00001; TOPMed below 0.00001; ExAC 0.00001; ESP Exome Variant Server 0.00008.
gnomAD v4.1: 3 of 1,600,742 alleles (0.00019%); highest among the groups gnomAD compares: Non-Finnish European, 0.00026%; no homozygotes.

Submission:

GeneDx
Classification: Uncertain significance. Last evaluated: 2024-05-28. Review status: criteria provided, single submitter. Criteria: GeneDx Variant Classification Process June 2021. Collection method: clinical testing. Allele origin: germline.
Comment: In silico analysis indicates that this missense variant does not alter protein structure/function; Has not been previously published as pathogenic or benign to our knowledge

NM_001348323.3(TRIP12):c.3655A>G (p.Ile1219Val)

Gene: TRIP12 (thyroid hormone receptor interactor 12; minus strand). Cytogenetic location: 2q36.3.
Variant type: single nucleotide variant.
Coding change: c.3655A>G on transcript NM_001348323.3 (MANE Select); coding-DNA position 3655, A replaced by G.
Protein change: p.Ile1219Val; replaces isoleucine 1219 with valine.
Molecular consequence: missense variant.
Genome position (GRCh38, 1-based): chr2:229,796,752, T>C on the plus strand (A>G on the coding strand, the complement: TRIP12 is on the minus strand). VCF-style: chr2-229796752-T-C. GRCh37 (hg19) VCF-style: chr2-230661468-T-C.
Other names: c.3574A>G, p.Ile1192Val (NM_001284214.2, NM_001348315.2); c.3529A>G, p.Ile1177Val (NM_001284215.2, NM_001348316.2, NM_001348317.1 and 1 more transcripts); c.2620A>G, p.Ile874Val (NM_001284216.2); c.3655A>G, p.Ile1219Val (NM_001348319.1, NM_001348320.2, NM_001348322.1 and 4 more transcripts); c.3658A>G, p.Ile1220Val (NM_001348321.1, NM_001348328.1, NM_001348329.2 and 1 more transcripts); c.3448A>G, p.Ile1150Val (NM_001348331.1); c.3568A>G, p.Ile1190Val (NM_001348332.1); c.3577A>G, p.Ile1193Val (NM_001348333.1); and 1 more; short protein forms I1144V, I1150V, I1177V, I1190V, I1192V, I1193V, I1219V, I1220V.
Identifiers: ClinVar variation 2662463 (VCV002662463.2), dbSNP rs374034692, ClinGen allele CA2152701.